The following is an entry in ClinVar:

NM_000030.3(AGXT):c.846+6T>C

Gene: AGXT (alanine--glyoxylate aminotransferase; plus strand). Cytogenetic location: 2q37.3.
Variant type: single nucleotide variant.
Coding change: c.846+6T>C on transcript NM_000030.3 (MANE Select); 6 bases into the intron after coding-DNA position 846, T replaced by C.
Molecular consequence: intron variant.
Genome position (GRCh38, 1-based): chr2:240,876,010, T>C. VCF-style: chr2-240876010-T-C. GRCh37 (hg19) VCF-style: chr2-241815427-T-C.
Identifiers: ClinVar variation 955514 (VCV000955514.6), dbSNP rs199841711, ClinGen allele CA2209277.

ClinVar aggregate classification (germline): Uncertain significance (1 of 4 stars; one submission).

Allele frequency attached by ClinVar (database versions not stated): gnomAD 0.00001; TOPMed 0.00002; 1000 Genomes Project 0.00020; gnomAD exomes 0.00001; 1000 Genomes Project 30x 0.00031; ExAC 0.00002.
gnomAD v4.1: 13 of 1,613,894 alleles (0.00081%); highest among the groups gnomAD compares: African/African-American, 0.0027%; no homozygotes.

Submission:

Labcorp Genetics (formerly Invitae), Labcorp
Classification: Uncertain significance. Last evaluated: 2021-09-01. Review status: criteria provided, single submitter. Criteria: Invitae Variant Classification Sherloc (09022015). Collection method: clinical testing. Allele origin: germline.
Comment: This sequence change falls in intron 8 of the AGXT gene. It does not directly change the encoded amino acid sequence of the AGXT protein. It affects a nucleotide within the consensus splice site of the intron. This variant is present in population databases (rs199841711, ExAC 0.01%). This variant has not been reported in the literature in individuals affected with AGXT-related conditions. Variants that disrupt the consensus splice site are a relatively common cause of aberrant splicing (PMID: 17576681, 9536098). Algorithms developed to predict the effect of sequence changes on RNA splicing suggest that this variant is not likely to affect RNA splicing. In summary, the available evidence is currently insufficient to determine the role of this variant in disease. Therefore, it has been classified as a Variant of Uncertain Significance.

Literature cited by the submitters: PubMed 17576681; PubMed 9536098.